The following is an entry in ClinVar:

ClinVar aggregate classification (germline): Pathogenic. Review status: criteria provided, multiple submitters, no conflicts (2 of 4 stars). 3 submissions from 3 submitters: Pathogenic (3). Last evaluated 2021-06-16.

Conditions:
Joubert syndrome. Also called: JOUBERT-BOLTSHAUSER SYNDROME; Familial aplasia of the vermis. Identifiers: Orphanet 475, MedGen C5979921, MONDO:0018772.
Orofaciodigital syndrome I (OFD1). Also called: Papillon-Leage and Psaume Syndrome; OFDS I; Oral-Facial-Digital Syndrome Type I. Identifiers: Orphanet 2750, MedGen C1510460, MONDO:0010702, OMIM 311200.

Submissions (3):

Labcorp Genetics (formerly Invitae), Labcorp
Classification: Pathogenic for Orofaciodigital syndrome I; Joubert syndrome. Last evaluated: 2021-06-16. Review status: criteria provided, single submitter. Criteria: Invitae Variant Classification Sherloc (09022015). Collection method: clinical testing. Allele origin: germline.
Comment: This sequence change creates a premature translational stop signal (p.Met293Glyfs*15) in the OFD1 gene. It is expected to result in an absent or disrupted protein product. Loss-of-function variants in OFD1 are known to be pathogenic (PMID: 16783569, 18546297, 27081566). This variant has been observed in individual(s) with oral-facial-digital syndrome type 1 (PMID: 18546297). In at least one individual the variant was observed to be de novo. ClinVar contains an entry for this variant (Variation ID: 41153). This variant is not present in population databases (ExAC no frequency). For these reasons, this variant has been classified as Pathogenic.

GeneDx
Classification: Pathogenic. Last evaluated: 2017-08-14. Review status: criteria provided, single submitter. Criteria: GeneDx Variant Classification (06012015). Collection method: clinical testing. Allele origin: germline. Affected: yes.
Comment: The c.877_878delAT variant in the OFD1 gene has been reported previously in two unrelated individuals with oral-facial-digital syndrome, type 1 (Prattichizzo et al., 2008). The c.877_878delAT variant causes a frameshift starting with codon Methionine 293, changes this amino acid to a Glycine residue, and creates a premature Stop codon at position 15 of the new reading frame, denoted p.Met293GlyfsX15. This variant is predicted to cause loss of normal protein function either through protein truncation or nonsense-mediated mRNA decay. The c.877_878delAT variant is not observed in large population cohorts (Lek et al., 2016; 1000 Genomes Consortium et al., 2015; Exome Variant Server). We interpret c.877_878delAT as a pathogenic variant.

Genetic Services Laboratory, University of Chicago
Classification: Pathogenic for Oral-facial-digital syndrome 1. Last evaluated: 2013-09-11. Review status: criteria provided, single submitter. Criteria: ACMG Guidelines, 2007. Collection method: clinical testing. Allele origin: germline. Inheritance: X-linked inheritance. Affected: yes.

Literature cited by the submitters: PubMed 16783569 (cited by Labcorp Genetics (formerly Invitae), Labcorp); PubMed 18546297 (cited by Labcorp Genetics (formerly Invitae), Labcorp); PubMed 27081566 (cited by Labcorp Genetics (formerly Invitae), Labcorp).

NM_003611.3(OFD1):c.877_878del (p.Met293fs)

Gene: OFD1 (OFD1 centriole and centriolar satellite protein; plus strand). Cytogenetic location: Xp22.2.
Variant type: Microsatellite.
Coding change: c.877_878del on transcript NM_003611.3 (MANE Select); coding-DNA positions 877 to 878, 2 bases deleted (AT; older notation c.877_878delAT).
Protein change: p.Met293fs; shifts the reading frame from methionine 293.
Molecular consequence: frameshift variant.
Genome position (GRCh38, 1-based): chrX:13,749,475-13,749,476, AT deleted; deleting any 2 consecutive bases within chrX:13,749,473-13,749,476 gives the same sequence; the c. name uses the placement nearest the transcript's 3' end. VCF-style (leftmost placement, unchanged base first): chrX-13749472-GAT-G. GRCh37 (hg19) VCF-style: chrX-13767591-GAT-G.
Other names: c.877_878del, p.Met293fs (NM_001330209.2); c.457_458del, p.Met153fs (NM_001330210.2); short protein forms M293fs, M153fs.
Identifiers: ClinVar variation 41153 (VCV000041153.17), dbSNP rs312262858, ClinGen allele CA344048.